The following is an entry in ClinVar:

NM_006919.3(SERPINB3):c.400G>A (p.Val134Ile)

Gene: SERPINB3 (serpin family B member 3; minus strand). Cytogenetic location: 18q21.33.
Variant type: single nucleotide variant.
Coding change: c.400G>A on transcript NM_006919.3 (MANE Select); coding-DNA position 400, G replaced by A.
Protein change: p.Val134Ile; replaces valine 134 with isoleucine.
Molecular consequence: missense variant.
Genome position (GRCh38, 1-based): chr18:63,658,582, C>T on the plus strand (G>A on the coding strand, the complement: SERPINB3 is on the minus strand). VCF-style: chr18-63658582-C-T. GRCh37 (hg19) VCF-style: chr18-61325816-C-T.
Other names: short protein forms V134I.
Identifiers: ClinVar variation 2648794 (VCV002648794.24), dbSNP rs61754491, ClinGen allele CA8988597.
Genomic context (GRCh38, chr18:63,658,582, plus strand): 5'-GACTTTCCACCCAGGAGTTAATCTTCTTTCGACTTTCTTCTGGAGCATTTGCAAAATCAA[C>T]AGATTCCACACTGGTCTGGTAAAATTTCTTGATGGCATCTAAATATTCCTTTGAGATATG-3'
Protein context (NP_008850.1, residues 124-144): KKFYQTSVES[Val134Ile]DFANAPEESR

ClinVar aggregate classification (germline): Likely benign (1 of 4 stars; one submission).

Allele frequency attached by ClinVar (database versions not stated): ExAC 0.00002; 1000 Genomes Project 0.00559; 1000 Genomes Project 30x 0.00593; gnomAD 0.00959; gnomAD exomes 0.01160.
gnomAD v4.1: 18,084 of 1,591,476 alleles (1.1%); highest among the groups gnomAD compares: Non-Finnish European, 1.4%; 291 homozygotes.

Submission:

CeGaT Center for Human Genetics Tuebingen
Classification: Likely benign. Last evaluated: 2024-03-01. Review status: criteria provided, single submitter. Criteria: CeGaT Center For Human Genetics Tuebingen Variant Classification Criteria Version 2. Collection method: clinical testing. Allele origin: germline. Affected: yes. Observed: 2 variant alleles.
Comment: SERPINB3: BP4, BS2